The following is an entry in ClinVar:

NM_001290043.2(TAP2):c.1961G>A (p.Arg654His)

Gene: TAP2 (transporter 2, ATP binding cassette subfamily B member; minus strand). Cytogenetic location: 6p21.32.
Variant type: single nucleotide variant.
Coding change: c.1961G>A on transcript NM_001290043.2 (MANE Select); coding-DNA position 1961, G replaced by A.
Protein change: p.Arg654His; replaces arginine 654 with histidine.
Molecular consequence: missense variant. On other transcripts: intron variant (1).
Genome position (GRCh38, 1-based): chr6:32,829,006, C>T on the plus strand (G>A on the coding strand, the complement: TAP2 is on the minus strand). VCF-style: chr6-32829006-C-T. GRCh37 (hg19) VCF-style: chr6-32796783-C-T.
Other names: c.1932+394G>A (NM_018833.3); c.1961G>A, p.Arg654His (NM_000544.3); short protein forms R654H.
Identifiers: ClinVar variation 834855 (VCV000834855.9), dbSNP rs753126540, ClinGen allele CA363578621.

ClinVar aggregate classification (germline): Uncertain significance. Review status: criteria provided, multiple submitters, no conflicts (2 of 4 stars). 2 submissions from 2 submitters: Uncertain significance (2). Last evaluated 2025-12-03.

Conditions:
Inborn genetic diseases. Identifiers: MedGen C0950123, MeSH D030342.
MHC class I deficiency. Identifiers: Orphanet 34592, MedGen C6024714, MONDO:0011476.

Allele frequency attached by ClinVar (database versions not stated): gnomAD 0.00002; TOPMed 0.00004.
gnomAD v4.1: 35 of 1,550,926 alleles (0.0023%); highest among the groups gnomAD compares: East Asian, 0.0097%; 1 homozygote.

Submissions (2):

Ambry Genetics
Classification: Uncertain significance for Inborn genetic diseases. Last evaluated: 2025-12-03. Review status: criteria provided, single submitter. Criteria: Ambry Variant Classification Scheme 2023. Collection method: clinical testing. Allele origin: germline.

Labcorp Genetics (formerly Invitae), Labcorp
Classification: Uncertain significance for MHC class I deficiency 1. Last evaluated: 2024-10-28. Review status: criteria provided, single submitter. Criteria: Invitae Variant Classification Sherloc (09022015). Collection method: clinical testing. Allele origin: germline.
Comment: This sequence change replaces arginine, which is basic and polar, with histidine, which is basic and polar, at codon 654 of the TAP2 protein (p.Arg654His). The frequency data for this variant in the population databases is considered unreliable, as metrics indicate poor data quality at this position in the gnomAD database. This variant has not been reported in the literature in individuals affected with TAP2-related conditions. ClinVar contains an entry for this variant (Variation ID: 834855). Experimental studies and prediction algorithms are not available or were not evaluated, and the functional significance of this variant is currently unknown. In summary, the available evidence is currently insufficient to determine the role of this variant in disease. Therefore, it has been classified as a Variant of Uncertain Significance.